The following is an entry in ClinVar:

NM_017612.5(ZCCHC8):c.1730C>T (p.Thr577Met)

Gene: ZCCHC8 (zinc finger CCHC-type containing 8; minus strand). Cytogenetic location: 12q24.31.
Variant type: single nucleotide variant.
Coding change: c.1730C>T on transcript NM_017612.5 (MANE Select); coding-DNA position 1730, C replaced by T.
Protein change: p.Thr577Met; replaces threonine 577 with methionine.
Molecular consequence: missense variant.
Genome position (GRCh38, 1-based): chr12:122,473,891, G>A on the plus strand (C>T on the coding strand, the complement: ZCCHC8 is on the minus strand). VCF-style: chr12-122473891-G-A. GRCh37 (hg19) VCF-style: chr12-122958438-G-A.
Other names: c.1499C>T, p.Thr500Met (NM_001350935.2); c.1433C>T, p.Thr478Met (NM_001350936.2); c.1016C>T, p.Thr339Met (NM_001350937.2, NM_001350938.2); c.1730C>T (NM_017612.3); short protein forms T339M, T478M, T500M, T577M.
Identifiers: ClinVar variation 1052108 (VCV001052108.10), dbSNP rs748005137, ClinGen allele CA6846100.

ClinVar aggregate classification (germline): Conflicting classifications of pathogenicity. Review status: criteria provided, conflicting classifications (1 of 4 stars). 2 submissions from 2 submitters: Uncertain significance (1); Likely benign (1). Last evaluated 2024-08-09.

Allele frequency attached by ClinVar (database versions not stated): TOPMed below 0.00001; ExAC 0.00001; gnomAD exomes 0.00001.
gnomAD v4.1: 23 of 1,613,860 alleles (0.0014%); highest among the groups gnomAD compares: East Asian, 0.0022%; no homozygotes.

Submissions (2):

Labcorp Genetics (formerly Invitae), Labcorp
Classification: Uncertain significance. Last evaluated: 2024-08-09. Review status: criteria provided, single submitter. Criteria: Invitae Variant Classification Sherloc (09022015). Collection method: clinical testing. Allele origin: germline.
Comment: This sequence change replaces threonine, which is neutral and polar, with methionine, which is neutral and non-polar, at codon 577 of the ZCCHC8 protein (p.Thr577Met). This variant is present in population databases (rs748005137, gnomAD 0.006%). This variant has not been reported in the literature in individuals affected with ZCCHC8-related conditions. ClinVar contains an entry for this variant (Variation ID: 1052108). Advanced modeling of protein sequence and biophysical properties (such as structural, functional, and spatial information, amino acid conservation, physicochemical variation, residue mobility, and thermodynamic stability) performed at Invitae indicates that this missense variant is not expected to disrupt ZCCHC8 protein function with a negative predictive value of 80%. In summary, the available evidence is currently insufficient to determine the role of this variant in disease. Therefore, it has been classified as a Variant of Uncertain Significance.

Ambry Genetics
Classification: Likely benign. Last evaluated: 2023-02-16. Review status: criteria provided, single submitter. Criteria: Ambry Variant Classification Scheme 2023. Collection method: clinical testing. Allele origin: germline.